The following is an entry in ClinVar:

ClinVar aggregate classification (germline): Pathogenic (1 of 4 stars; one submission).

Submission:

Labcorp Genetics (formerly Invitae), Labcorp
Classification: Pathogenic. Last evaluated: 2026-01-26. Review status: criteria provided, single submitter. Criteria: Invitae Variant Classification Sherloc (09022015). Collection method: clinical testing. Allele origin: germline.
Comment: This sequence change creates a premature translational stop signal (p.Ala727Hisfs*15) in the LIFR gene. It is expected to result in an absent or disrupted protein product. Loss-of-function variants in LIFR are known to be pathogenic (PMID: 14740318). This variant is not present in population databases (gnomAD no frequency). This variant has not been reported in the literature in individuals affected with LIFR-related conditions. For these reasons, this variant has been classified as Pathogenic.

Literature cited by the submitters: PubMed 14740318.

NM_001127671.2(LIFR):c.2179del (p.Ala727fs)

Gene: LIFR (LIF receptor subunit alpha; minus strand). Cytogenetic location: 5p13.1.
Variant type: Deletion.
Coding change: c.2179del on transcript NM_001127671.2 (MANE Select); coding-DNA position 2179, one base deleted (G; older notation c.2179delG).
Protein change: p.Ala727fs; shifts the reading frame from alanine 727.
Molecular consequence: frameshift variant.
Genome position (GRCh38, 1-based): chr5:38,489,234, C deleted on the plus strand (G on the coding strand, the reverse complement: LIFR is on the minus strand). VCF-style (leftmost placement, unchanged base first): chr5-38489233-GC-G. GRCh37 (hg19) VCF-style: chr5-38489335-GC-G.
Other names: c.2179del, p.Ala727fs (NM_001364297.2, NM_001364298.2, NM_002310.6); short protein forms A727fs.
Identifiers: ClinVar variation 4736209 (VCV004736209.1).